The following is an entry in ClinVar:

NM_001927.4(DES):c.348T>A (p.Asn116Lys)

Gene: DES (desmin; plus strand). Cytogenetic location: 2q35.
Variant type: single nucleotide variant.
Coding change: c.348T>A on transcript NM_001927.4 (MANE Select); coding-DNA position 348, T replaced by A.
Protein change: p.Asn116Lys; replaces asparagine 116 with lysine.
Molecular consequence: missense variant.
Genome position (GRCh38, 1-based): chr2:219,418,810, T>A. VCF-style: chr2-219418810-T-A. GRCh37 (hg19) VCF-style: chr2-220283532-T-A.
Other names: c.348T>A, p.Asn116Lys (NM_001382708.1, NM_001382709.1, NM_001382710.1 and 3 more transcripts); short protein forms N116K.
Identifiers: ClinVar variation 1304524 (VCV001304524.3), dbSNP rs766333303, ClinGen allele CA350685418.

ClinVar aggregate classification (germline): Uncertain significance. Review status: criteria provided, multiple submitters, no conflicts (2 of 4 stars). 2 submissions from 2 submitters: Uncertain significance (2). Last evaluated 2025-01-21.

Conditions:
Cardiovascular phenotype. Identifiers: MedGen CN230736.

Submissions (2):

Ambry Genetics
Classification: Uncertain significance for Cardiovascular phenotype. Last evaluated: 2025-01-21. Review status: criteria provided, single submitter. Criteria: Ambry Variant Classification Scheme 2023. Collection method: clinical testing. Allele origin: germline.
Comment: The p.N116K variant (also known as c.348T>A), located in coding exon 1 of the DES gene, results from a T to A substitution at nucleotide position 348. The asparagine at codon 116 is replaced by lysine, an amino acid with similar properties. In an assay testing DES function, this variant showed functionally abnormal result (Brodehl A et al. Cells, 2022 Dec;11). This amino acid position is highly conserved in available vertebrate species. In addition, the in silico prediction for this alteration is inconclusive. Based on the available evidence, the clinical significance of this variant remains unclear.

GeneDx
Classification: Uncertain significance. Last evaluated: 2019-01-23. Review status: criteria provided, single submitter. Criteria: GeneDx Variant Classification Process June 2021. Collection method: clinical testing. Allele origin: germline. Affected: yes.
Comment: Not observed in large population cohorts (Lek et al., 2016); In silico analysis, which includes protein predictors and evolutionary conservation, supports a deleterious effect; Has not been previously published as pathogenic or benign to our knowledge

Literature cited by the submitters: PubMed 36497166 (cited by Ambry Genetics).